The following is an entry in ClinVar:

NM_032856.5(WDR73):c.288-6dup

Gene: WDR73 (WD repeat domain 73; minus strand). Cytogenetic location: 15q25.2.
Variant type: Duplication.
Coding change: c.288-6dup on transcript NM_032856.5 (MANE Select); 6 bases into the intron before coding-DNA position 288, one base duplicated (G; older notation c.288-6dupG).
Molecular consequence: intron variant.
Genome position (GRCh38, 1-based): chr15:84,647,960, C duplicated on the plus strand (G on the coding strand, the reverse complement: WDR73 is on the minus strand). VCF-style (leftmost placement, unchanged base first): chr15-84647959-T-TC. GRCh37 (hg19) VCF-style: chr15-85191190-T-TC.
Other names: c.288-6dupG (NM_032856.3).
Identifiers: ClinVar variation 2150651 (VCV002150651.6), dbSNP rs760444191, ClinGen allele CA7707446.

ClinVar aggregate classification (germline): Benign. Review status: criteria provided, single submitter (1 of 4 stars). 2 submissions from 2 submitters: Benign (1). 1 of the submissions does not count toward it. Last evaluated 2023-01-01.

Conditions:
WDR73-related disorder. Also called: WDR73-related disorders; WDR73-related condition.

Allele frequency attached by ClinVar (database versions not stated): gnomAD 0.00004; gnomAD exomes 0.00005; ExAC 0.00007; TOPMed 0.00007.

Submissions (2):

Labcorp Genetics (formerly Invitae), Labcorp
Classification: Benign. Last evaluated: 2023-01-01. Review status: criteria provided, single submitter. Criteria: Invitae Variant Classification Sherloc (09022015). Collection method: clinical testing. Allele origin: germline.

PreventionGenetics, part of Exact Sciences
Classification: Likely benign for WDR73-related condition. Last evaluated: 2022-12-18. Review status: no assertion criteria provided. Collection method: clinical testing. Allele origin: germline. Not counted in ClinVar's aggregate classification.
Comment: This variant is classified as likely benign based on ACMG/AMP sequence variant interpretation guidelines (Richards et al. 2015 PMID: 25741868, with internal and published modifications).